The following is an entry in ClinVar:

ClinVar aggregate classification (germline): Uncertain significance (1 of 4 stars; one submission).

Submission:

Labcorp Genetics (formerly Invitae), Labcorp
Classification: Uncertain significance. Last evaluated: 2025-09-07. Review status: criteria provided, single submitter. Criteria: Invitae Variant Classification Sherloc (09022015). Collection method: clinical testing. Allele origin: germline.
Comment: This sequence change replaces glycine, which is neutral and non-polar, with arginine, which is basic and polar, at codon 354 of the NBAS protein (p.Gly354Arg). This variant is not present in population databases (gnomAD no frequency). This variant has not been reported in the literature in individuals affected with NBAS-related conditions. Invitae Evidence Modeling of protein sequence and biophysical properties (such as structural, functional, and spatial information, amino acid conservation, physicochemical variation, residue mobility, and thermodynamic stability) indicates that this missense variant is not expected to disrupt NBAS protein function with a negative predictive value of 95%. In summary, the available evidence is currently insufficient to determine the role of this variant in disease. Therefore, it has been classified as a Variant of Uncertain Significance.

NM_015909.4(NBAS):c.1060G>A (p.Gly354Arg)

Gene: NBAS (NBAS subunit of NRZ tethering complex; minus strand). Cytogenetic location: 2p24.3.
Variant type: single nucleotide variant.
Coding change: c.1060G>A on transcript NM_015909.4 (MANE Select); coding-DNA position 1060, G replaced by A.
Protein change: p.Gly354Arg; replaces glycine 354 with arginine.
Molecular consequence: missense variant. On other transcripts: non-coding transcript variant (1).
Genome position (GRCh38, 1-based): chr2:15,488,917, C>T on the plus strand (G>A on the coding strand, the complement: NBAS is on the minus strand). VCF-style: chr2-15488917-C-T. GRCh37 (hg19) VCF-style: chr2-15629041-C-T.
Other names: short protein forms G354R.
Identifiers: ClinVar variation 4746879 (VCV004746879.1).
Genomic context (GRCh38, chr2:15,488,917, plus strand): 5'-CTTAAGAGAGTATCATTCTAATAACCAAGAGACGCACCTGCTCATTTTGACCCCATTCCC[C>T]TTGTTGCTTCAGAGATGGAATCGCCCAGATGCTCAGTTTCCCTGAGAAGTGAATGGCTGC-3'
Protein context (NP_056993.2, residues 344-364): IWAIPSLKQQ[Gly354Arg]EWGQNEQPGY